The following is an entry in ClinVar:

ClinVar aggregate classification (germline): Pathogenic (1 of 4 stars; one submission).

Conditions:
Neuronal ceroid lipofuscinosis. Also called: Neuronal Ceroid Lipofuscinoses. Identifiers: Orphanet 216, Orphanet 79263, MedGen C0027877, MONDO:0016295. Disease mechanism: loss of function.

gnomAD v4.1: 2 of 1,613,806 alleles (0.00012%); highest among the groups gnomAD compares: Admixed American, 0.0017%; no homozygotes.

Submission:

Labcorp Genetics (formerly Invitae), Labcorp
Classification: Pathogenic for Neuronal ceroid lipofuscinosis. Last evaluated: 2023-07-21. Review status: criteria provided, single submitter. Criteria: Invitae Variant Classification Sherloc (09022015). Collection method: clinical testing. Allele origin: germline.
Comment: This sequence change creates a premature translational stop signal (p.Gln57*) in the CTSD gene. It is expected to result in an absent or disrupted protein product. Loss-of-function variants in CTSD are known to be pathogenic (PMID: 16670177, 26059544). This variant is present in population databases (no rsID available, gnomAD 0.003%). This variant has not been reported in the literature in individuals affected with CTSD-related conditions. ClinVar contains an entry for this variant (Variation ID: 2000275). For these reasons, this variant has been classified as Pathogenic.

Literature cited by the submitters: PubMed 16670177; PubMed 26059544.

NM_001909.5(CTSD):c.169C>T (p.Gln57Ter)

Genes: CTSD (cathepsin D; minus strand), PRADX (PRC2 and DDX5 associated lncRNA; plus strand). Cytogenetic location: 11p15.5.
Variant type: single nucleotide variant.
Coding change: c.169C>T on transcript NM_001909.5 (MANE Select); coding-DNA position 169, C replaced by T.
Protein change: p.Gln57Ter; replaces glutamine 57 with a stop codon.
Molecular consequence: nonsense.
Genome position (GRCh38, 1-based): chr11:1,761,368, G>A on the plus strand (C>T on the coding strand, the complement: CTSD is on the minus strand). VCF-style: chr11-1761368-G-A. GRCh37 (hg19) VCF-style: chr11-1782598-G-A.
Other names: short protein forms Q57*.
Identifiers: ClinVar variation 2000275 (VCV002000275.5), dbSNP rs1466648123, ClinGen allele CA379099592.